The following is an entry in ClinVar:

ClinVar aggregate classification (germline): Uncertain significance. Review status: criteria provided, multiple submitters, no conflicts (2 of 4 stars). 2 submissions from 2 submitters: Uncertain significance (2). Last evaluated 2024-10-10.

Allele frequency attached by ClinVar (database versions not stated): ExAC 0.00006.
gnomAD v4.1: 42 of 1,610,726 alleles (0.0026%); highest among the groups gnomAD compares: South Asian, 0.041%; no homozygotes.

Submissions (2):

Blueprint Genetics
Classification: Uncertain significance. Last evaluated: 2024-10-10. Review status: criteria provided, single submitter. Criteria: ACMG Guidelines, 2015. Collection method: clinical testing. Allele origin: germline.

Labcorp Genetics (formerly Invitae), Labcorp
Classification: Uncertain significance. Last evaluated: 2021-09-09. Review status: criteria provided, single submitter. Criteria: Invitae Variant Classification Sherloc (09022015). Collection method: clinical testing. Allele origin: germline.
Comment: This sequence change replaces proline with histidine at codon 132 of the SH3PXD2B protein (p.Pro132His). The proline residue is highly conserved and there is a moderate physicochemical difference between proline and histidine. This variant is present in population databases (rs778527787, ExAC 0.03%). This variant has not been reported in the literature in individuals affected with SH3PXD2B-related conditions. Algorithms developed to predict the effect of missense changes on protein structure and function (SIFT, PolyPhen-2, Align-GVGD) all suggest that this variant is likely to be disruptive. In summary, the available evidence is currently insufficient to determine the role of this variant in disease. Therefore, it has been classified as a Variant of Uncertain Significance.

NM_001017995.3(SH3PXD2B):c.395C>A (p.Pro132His)

Gene: SH3PXD2B (SH3 and PX domains 2B; minus strand). Cytogenetic location: 5q35.1.
Variant type: single nucleotide variant.
Coding change: c.395C>A on transcript NM_001017995.3 (MANE Select); coding-DNA position 395, C replaced by A.
Protein change: p.Pro132His; replaces proline 132 with histidine.
Molecular consequence: missense variant.
Genome position (GRCh38, 1-based): chr5:172,382,042, G>T on the plus strand (C>A on the coding strand, the complement: SH3PXD2B is on the minus strand). VCF-style: chr5-172382042-G-T. GRCh37 (hg19) VCF-style: chr5-171809046-G-T.
Other names: c.395C>A, p.Pro132His (NM_001308175.2); short protein forms P132H.
Identifiers: ClinVar variation 1386961 (VCV001386961.4), dbSNP rs778527787, ClinGen allele CA3561583.